The following is an entry in ClinVar:

ClinVar aggregate classification (germline): Uncertain significance (1 of 4 stars; one submission).

Conditions:
Epileptic encephalopathy. Identifiers: MedGen C0543888, HP:0200134.

Submission:

Labcorp Genetics (formerly Invitae), Labcorp
Classification: Uncertain significance for Epileptic encephalopathy. Last evaluated: 2026-01-19. Review status: criteria provided, single submitter. Criteria: Invitae Variant Classification Sherloc (09022015). Collection method: clinical testing. Allele origin: germline.
Comment: This sequence change falls in intron 38 of the FASN gene. It does not directly change the encoded amino acid sequence of the FASN protein. Information on the frequency of this variant in the gnomAD database is not available, as this variant may be reported differently in the database. This variant has not been reported in the literature in individuals affected with FASN-related conditions. ClinVar contains an entry for this variant (Variation ID: 2857603). Experimental studies and prediction algorithms are not available or were not evaluated, and the effect of this variant on mRNA splicing is currently unknown. In summary, the available evidence is currently insufficient to determine the role of this variant in disease. Therefore, it has been classified as a Variant of Uncertain Significance.

NM_004104.5(FASN):c.6595+12_6595+13inv

Gene: FASN (fatty acid synthase; minus strand). Cytogenetic location: 17q25.3.
Variant type: Inversion.
Coding change: c.6595+12_6595+13inv on transcript NM_004104.5 (MANE Select).
Molecular consequence: intron variant.
Genome position: GRCh38 VCF-style: chr17-82081151-CA-TG. GRCh37 (hg19) VCF-style: chr17-80039027-CA-TG.
Identifiers: ClinVar variation 2857603 (VCV002857603.3), ClinGen allele CA2739268514.